The following is an entry in ClinVar:

NM_006904.7(PRKDC):c.3052G>A (p.Val1018Met)

Gene: PRKDC (protein kinase, DNA-activated, catalytic subunit; minus strand). Cytogenetic location: 8q11.21.
Variant type: single nucleotide variant.
Coding change: c.3052G>A on transcript NM_006904.7 (MANE Select); coding-DNA position 3052, G replaced by A.
Protein change: p.Val1018Met; replaces valine 1018 with methionine.
Molecular consequence: missense variant.
Genome position (GRCh38, 1-based): chr8:47,902,786, C>T on the plus strand (G>A on the coding strand, the complement: PRKDC is on the minus strand). VCF-style: chr8-47902786-C-T. GRCh37 (hg19) VCF-style: chr8-48815346-C-T.
Other names: c.3052G>A, p.Val1018Met (NM_001081640.2); short protein forms V1018M.
Identifiers: ClinVar variation 970404 (VCV000970404.9), dbSNP rs376896763, ClinGen allele CA176154196.

ClinVar aggregate classification (germline): Uncertain significance. Review status: criteria provided, multiple submitters, no conflicts (2 of 4 stars). 2 submissions from 2 submitters: Uncertain significance (2). Last evaluated 2022-05-01.

Conditions:
Severe combined immunodeficiency due to DNA-PKcs deficiency. Also called: IMMUNODEFICIENCY 26 WITH NEUROLOGIC ABNORMALITIES; Immunodeficiency 26 with or without neurologic abnormalities. Identifiers: Orphanet 317425, MedGen C4014833, MONDO:0014423, OMIM 615966.

Allele frequency attached by ClinVar (database versions not stated): gnomAD exomes below 0.00001; ESP Exome Variant Server 0.00008.
gnomAD v4.1: 2 of 1,600,240 alleles (0.00012%); highest among the groups gnomAD compares: Non-Finnish European, 0.00017%; no homozygotes.

Submissions (2):

Ambry Genetics
Classification: Uncertain significance. Last evaluated: 2022-05-01. Review status: criteria provided, single submitter. Criteria: Ambry Variant Classification Scheme 2023. Collection method: clinical testing. Allele origin: germline.
Comment: The p.V1018M variant (also known as c.3052G>A), located in coding exon 27 of the PRKDC gene, results from a G to A substitution at nucleotide position 3052. The valine at codon 1018 is replaced by methionine, an amino acid with highly similar properties. This amino acid position is conserved. In addition, the in silico prediction for this alteration is inconclusive. Since supporting evidence is limited at this time, the clinical significance of this alteration remains unclear.

Labcorp Genetics (formerly Invitae), Labcorp
Classification: Uncertain significance for Severe combined immunodeficiency due to DNA-PKcs deficiency. Last evaluated: 2021-09-02. Review status: criteria provided, single submitter. Criteria: Invitae Variant Classification Sherloc (09022015). Collection method: clinical testing. Allele origin: germline.
Comment: In summary, the available evidence is currently insufficient to determine the role of this variant in disease. Therefore, it has been classified as a Variant of Uncertain Significance. Experimental studies and prediction algorithms are not available or were not evaluated, and the functional significance of this variant is currently unknown. ClinVar contains an entry for this variant (Variation ID: 970404). This variant has not been reported in the literature in individuals affected with PRKDC-related conditions. This variant is not present in population databases (ExAC no frequency). This sequence change replaces valine with methionine at codon 1018 of the PRKDC protein (p.Val1018Met). The valine residue is highly conserved and there is a small physicochemical difference between valine and methionine.